The following continues an entry in ClinVar:

NM_007294.4(BRCA1):c.212+1G>T

Gene: BRCA1. ClinVar aggregate classification (germline): Pathogenic. Pathogenic (1).

Submissions 9 to 16 of 16:

GeneDx
Classification: Pathogenic. Last evaluated: 2017-04-06. Review status: criteria provided, single submitter. Criteria: GeneDx Variant Classification (06012015). Collection method: clinical testing. Allele origin: germline. Affected: yes. Not counted in ClinVar's aggregate classification.
Comment: This variant is denoted BRCA1 c.212+1G>T or IVS4+1G>T and consists of a G>T nucleotide substitution at the +1 position of intron 4 of the BRCA1 gene. This variant is also known as BRCA1 331+1G>T or IVS5+1G>T using alternate nomenclature. The variant destroys a canonical splice donor site and has been shown to increase the usage of an upstream cryptic splice site and result in a truncated protein (Meindl 2002, Wappenschmidt 2012). This variant has been reported in high-risk breast and/or ovarian cancer families and in at least one prostate cancer case (Shattuck-Eidens 1997, Saxena 2002, Kwong 2012, Leongamornlert 2012). We consider this variant to be pathogenic.

Consortium of Investigators of Modifiers of BRCA1/2 (CIMBA), c/o University of Cambridge
Classification: Pathogenic for Breast-ovarian cancer, familial, susceptibility to, 1. Last evaluated: 2015-10-02. Review status: criteria provided, single submitter. Criteria: CIMBA Mutation Classification guidelines May 2016. Collection method: clinical testing. Allele origin: germline. Not counted in ClinVar's aggregate classification.

Counsyl
Classification: Pathogenic for Breast-ovarian cancer, familial, susceptibility to, 1. Last evaluated: 2017-12-28. Review status: no assertion criteria provided. Collection method: clinical testing. Allele origin: unknown. Not counted in ClinVar's aggregate classification.

Research Molecular Genetics Laboratory, Women's College Hospital, University of Toronto
Classification: Pathogenic for Hereditary breast ovarian cancer syndrome. Last evaluated: 2014-01-31. Review status: no assertion criteria provided. Collection method: research. Allele origin: germline. Affected: yes. Study: The Canadian Open Genetics Repository (COGR). Not counted in ClinVar's aggregate classification.

Sharing Clinical Reports Project (SCRP)
Classification: Pathogenic for Breast-ovarian cancer, familial 1. Last evaluated: 2012-06-04. Review status: no assertion criteria provided. Collection method: clinical testing. Allele origin: germline. Not counted in ClinVar's aggregate classification.

Breast Cancer Information Core (BIC) (BRCA1)
Classification: Pathogenic for Breast-ovarian cancer, familial 1. Last evaluated: 1999-06-21. Review status: no assertion criteria provided. Collection method: clinical testing. Allele origin: germline, somatic. Affected: yes. Observed: 7 variant alleles. Not counted in ClinVar's aggregate classification.

Brotman Baty Institute, University of Washington
No classification provided (evidence only). Condition: Breast-ovarian cancer, familial 1. Review status: no classification provided. Collection method: in vitro. Allele origin: not applicable. Functional consequence: function_uncertain_variant. Not counted in ClinVar's aggregate classification.
ClinVar note: "not provided" was previously submitted as the classification for the variant. However, the classification appeared to be based only on an observation of functional data so it was converted to no classification on 2025-07-30.

Department of Pathology and Laboratory Medicine, Sinai Health System
Classification: Pathogenic for Malignant tumor of breast. Review status: no assertion criteria provided. Collection method: clinical testing. Allele origin: unknown. Affected: yes. Study: The Canadian Open Genetics Repository (COGR). Not counted in ClinVar's aggregate classification.
Comment: The c.212+1G>T variant was identified in 2 of 3574 proband chromosomes (frequency: 0.001) from individuals or families with hereditary breast and ovarian cancer (Meindl 2002, Shattuck-Eidens 1997). The variant was also identified in dbSNP (ID: rs80358042) â€šÃ„ÃºWith pathogenic alleleâ€šÃ„Ã¹, Clinvitae database (1X as pathogenic), LOVD, ARUP Laboratories BRCA Mutations Database (as definitely pathogenic), the ClinVar database (classified as a pathogenic variant) and the BIC database (5X with clinical importance). The c.212+1G>T variant is predicted to cause abnormal splicing because the nucleotide substitution occurs in the invariant region of the splice consensus sequence. In addition, 5 of 5 in silico or computational prediction software programs (SpliceSiteFinder, MaxEntScan, NNSPLICE, GeneSplicer, HumanSpliceFinder) predict a greater than 10% difference in splicing. In summary, based on the above information, this variant meets our laboratoryâ€šÃ„Ã´s criteria to be classified as pathogenic.

Literature cited by the submitters: PubMed 31131967 (cited by Evidence-based Network for the Interpretation of Germline Mutant Alleles (ENIGMA)); PubMed 9333265 (cited by 3 submitters); PubMed 11802209 (cited by 3 submitters); PubMed 22516946 (cited by 4 submitters); PubMed 22970155 (cited by 3 submitters); PubMed 26848529 (cited by Labcorp Genetics (formerly Invitae), Labcorp and All of Us Research Program, National Institutes of Health); PubMed 20215541 (cited by Labcorp Genetics (formerly Invitae), Labcorp and Ambry Genetics); PubMed 22505045 (cited by Labcorp Genetics (formerly Invitae), Labcorp and Ambry Genetics); PubMed 17661172 (cited by All of Us Research Program, National Institutes of Health); PubMed 21989022 (cited by All of Us Research Program, National Institutes of Health); PubMed 22762150 (cited by All of Us Research Program, National Institutes of Health); PubMed 28724667 (cited by 3 submitters); PubMed 29752822 (cited by All of Us Research Program, National Institutes of Health and Ambry Genetics); PubMed 29770616 (cited by 3 submitters); PubMed 30702160 (cited by All of Us Research Program, National Institutes of Health and Ambry Genetics); PubMed 21735045 (cited by Ambry Genetics); PubMed 28176296 (cited by Ambry Genetics and Counsyl); PubMed 30209399 (cited by Ambry Genetics and Color Diagnostics, LLC DBA Color Health); PubMed 8533757 (cited by Ambry Genetics); PubMed 2975282 (cited by Color Diagnostics, LLC DBA Color Health); PubMed 12442273 (cited by Color Diagnostics, LLC DBA Color Health and Counsyl); PubMed 23239986 (cited by Color Diagnostics, LLC DBA Color Health); PubMed 33471991 (cited by Color Diagnostics, LLC DBA Color Health); PubMed 25525159 (cited by Counsyl).